The following is an entry in ClinVar:

NM_000213.5(ITGB4):c.2068G>A (p.Gly690Ser)

Gene: ITGB4 (integrin subunit beta 4; plus strand). Cytogenetic location: 17q25.1.
Variant type: single nucleotide variant.
Coding change: c.2068G>A on transcript NM_000213.5 (MANE Select); coding-DNA position 2068, G replaced by A.
Protein change: p.Gly690Ser; replaces glycine 690 with serine.
Molecular consequence: missense variant.
Genome position (GRCh38, 1-based): chr17:75,737,399, G>A. VCF-style: chr17-75737399-G-A. GRCh37 (hg19) VCF-style: chr17-73733480-G-A.
Other names: c.2068G>A, p.Gly690Ser (NM_001005619.2, NM_001005731.3, NM_001321123.2); short protein forms G690S.
Identifiers: ClinVar variation 2174835 (VCV002174835.2), dbSNP rs113334156, ClinGen allele CA8769239.

ClinVar aggregate classification (germline): Uncertain significance. Review status: criteria provided, multiple submitters, no conflicts (2 of 4 stars). 2 submissions from 2 submitters: Uncertain significance (2). Last evaluated 2022-06-19.

Conditions:
Inborn genetic diseases. Identifiers: MedGen C0950123, MeSH D030342.

Allele frequency attached by ClinVar (database versions not stated): gnomAD exomes 0.00001; gnomAD 0.00004.
gnomAD v4.1: 32 of 1,563,452 alleles (0.002%); highest among the groups gnomAD compares: African/African-American, 0.022%; 1 homozygote.

Submissions (2):

Labcorp Genetics (formerly Invitae), Labcorp
Classification: Uncertain significance. Last evaluated: 2022-06-19. Review status: criteria provided, single submitter. Criteria: Invitae Variant Classification Sherloc (09022015). Collection method: clinical testing. Allele origin: germline.
Comment: This sequence change replaces glycine, which is neutral and non-polar, with serine, which is neutral and polar, at codon 690 of the ITGB4 protein (p.Gly690Ser). This variant is present in population databases (rs113334156, gnomAD 0.005%). This variant has not been reported in the literature in individuals affected with ITGB4-related conditions. Algorithms developed to predict the effect of missense changes on protein structure and function output the following: SIFT: "Not Available"; PolyPhen-2: "Benign"; Align-GVGD: "Not Available". The serine amino acid residue is found in multiple mammalian species, which suggests that this missense change does not adversely affect protein function. In summary, the available evidence is currently insufficient to determine the role of this variant in disease. Therefore, it has been classified as a Variant of Uncertain Significance.

Ambry Genetics
Classification: Uncertain significance for Inborn genetic diseases. Last evaluated: 2021-12-08. Review status: criteria provided, single submitter. Criteria: Ambry Variant Classification Scheme 2023. Collection method: clinical testing. Allele origin: germline.